The following is an entry in ClinVar:

ClinVar aggregate classification (germline): Uncertain significance (1 of 4 stars; one submission).

Allele frequency attached by ClinVar (database versions not stated): gnomAD 0.00003; ExAC 0.00005; gnomAD exomes 0.00005; TOPMed 0.00006; ESP Exome Variant Server 0.00015.
gnomAD v4.1: 79 of 1,614,050 alleles (0.0049%); highest among the groups gnomAD compares: Non-Finnish European, 0.0064%; no homozygotes.

Submission:

Labcorp Genetics (formerly Invitae), Labcorp
Classification: Uncertain significance. Last evaluated: 2022-01-20. Review status: criteria provided, single submitter. Criteria: Invitae Variant Classification Sherloc (09022015). Collection method: clinical testing. Allele origin: germline.
Comment: In summary, the available evidence is currently insufficient to determine the role of this variant in disease. Therefore, it has been classified as a Variant of Uncertain Significance. Algorithms developed to predict the effect of missense changes on protein structure and function are either unavailable or do not agree on the potential impact of this missense change (SIFT: "Tolerated"; PolyPhen-2: "Probably Damaging"; Align-GVGD: "Class C0"). This variant has not been reported in the literature in individuals affected with WDR62-related conditions. This variant is present in population databases (rs375813256, gnomAD 0.01%). This sequence change replaces arginine, which is basic and polar, with histidine, which is basic and polar, at codon 1096 of the WDR62 protein (p.Arg1096His).

NM_001083961.2(WDR62):c.3287G>A (p.Arg1096His)

Gene: WDR62 (WD repeat domain 62; plus strand). Cytogenetic location: 19q13.12.
Variant type: single nucleotide variant.
Coding change: c.3287G>A on transcript NM_001083961.2 (MANE Select); coding-DNA position 3287, G replaced by A.
Protein change: p.Arg1096His; replaces arginine 1096 with histidine.
Molecular consequence: missense variant.
Genome position (GRCh38, 1-based): chr19:36,102,803, G>A. VCF-style: chr19-36102803-G-A. GRCh37 (hg19) VCF-style: chr19-36593705-G-A.
Other names: c.3272G>A, p.Arg1091His (NM_001411145.1, NM_173636.5); c.3038G>A, p.Arg1013His (NM_001411146.1); c.2936G>A, p.Arg979His (NM_001411147.1); short protein forms R1091H, R1013H, R979H, R1096H.
Identifiers: ClinVar variation 2174641 (VCV002174641.2), dbSNP rs375813256, ClinGen allele CA9396236.